The following is an entry in ClinVar:

NM_013436.5(NCKAP1):c.2308C>T (p.Leu770Phe)

Gene: NCKAP1 (NCK associated protein 1; minus strand). Cytogenetic location: 2q32.1.
Variant type: single nucleotide variant.
Coding change: c.2308C>T on transcript NM_013436.5 (MANE Select); coding-DNA position 2308, C replaced by T.
Protein change: p.Leu770Phe; replaces leucine 770 with phenylalanine.
Molecular consequence: missense variant.
Genome position (GRCh38, 1-based): chr2:182,953,177, G>A on the plus strand (C>T on the coding strand, the complement: NCKAP1 is on the minus strand). VCF-style: chr2-182953177-G-A. GRCh37 (hg19) VCF-style: chr2-183817905-G-A.
Other names: c.2326C>T, p.Leu776Phe (NM_205842.3); short protein forms L776F, L770F.
Identifiers: ClinVar variation 1810429 (VCV001810429.1), dbSNP rs2468587603, ClinGen allele CA349757605.

ClinVar aggregate classification (germline): Uncertain significance (1 of 4 stars; one submission).

Submission:

GeneDx
Classification: Uncertain significance. Last evaluated: 2022-07-07. Review status: criteria provided, single submitter. Criteria: GeneDx Variant Classification Process June 2021. Collection method: clinical testing. Allele origin: germline. Affected: yes.
Comment: Not observed at significant frequency in large population cohorts (gnomAD); In silico analysis supports that this missense variant has a deleterious effect on protein structure/function; Has not been previously published as pathogenic or benign to our knowledge